The following is an entry in ClinVar:

ClinVar aggregate classification (germline): Uncertain significance (1 of 4 stars; one submission).

gnomAD v4.1: 8 of 1,571,212 alleles (0.00051%); highest among the groups gnomAD compares: Admixed American, 0.0018%; no homozygotes.

Submission:

Labcorp Genetics (formerly Invitae), Labcorp
Classification: Uncertain significance. Last evaluated: 2024-05-29. Review status: criteria provided, single submitter. Criteria: Invitae Variant Classification Sherloc (09022015). Collection method: clinical testing. Allele origin: germline.
Comment: This sequence change replaces arginine, which is basic and polar, with histidine, which is basic and polar, at codon 291 of the IRF2BP2 protein (p.Arg291His). The frequency data for this variant in the population databases is considered unreliable, as metrics indicate poor data quality at this position in the gnomAD database. This variant has not been reported in the literature in individuals affected with IRF2BP2-related conditions. An algorithm developed to predict the effect of missense changes on protein structure and function (PolyPhen-2) suggests that this variant is likely to be disruptive. In summary, the available evidence is currently insufficient to determine the role of this variant in disease. Therefore, it has been classified as a Variant of Uncertain Significance.

NM_182972.3(IRF2BP2):c.872G>A (p.Arg291His)

Gene: IRF2BP2 (interferon regulatory factor 2 binding protein 2; minus strand). Cytogenetic location: 1q42.3.
Variant type: single nucleotide variant.
Coding change: c.872G>A on transcript NM_182972.3 (MANE Select); coding-DNA position 872, G replaced by A.
Protein change: p.Arg291His; replaces arginine 291 with histidine.
Molecular consequence: missense variant.
Genome position (GRCh38, 1-based): chr1:234,608,623, C>T on the plus strand (G>A on the coding strand, the complement: IRF2BP2 is on the minus strand). VCF-style: chr1-234608623-C-T. GRCh37 (hg19) VCF-style: chr1-234744369-C-T.
Other names: c.872G>A, p.Arg291His (NM_001077397.1); short protein forms R291H.
Identifiers: ClinVar variation 3694506 (VCV003694506.2).